The following is an entry in ClinVar:

NM_000400.4(ERCC2):c.292G>A (p.Glu98Lys)

Gene: ERCC2 (ERCC excision repair 2, TFIIH core complex helicase subunit; minus strand). Cytogenetic location: 19q13.32.
Variant type: single nucleotide variant.
Coding change: c.292G>A on transcript NM_000400.4 (MANE Select); coding-DNA position 292, G replaced by A.
Protein change: p.Glu98Lys; replaces glutamic acid 98 with lysine.
Molecular consequence: missense variant.
Genome position (GRCh38, 1-based): chr19:45,368,698, C>T on the plus strand (G>A on the coding strand, the complement: ERCC2 is on the minus strand). VCF-style: chr19-45368698-C-T. GRCh37 (hg19) VCF-style: chr19-45871956-C-T.
Other names: c.220G>A, p.Glu74Lys (NM_001130867.2); short protein forms E98K, E74K.
Identifiers: ClinVar variation 1797797 (VCV001797797.6), dbSNP rs753975439, ClinGen allele CA9513836.
Genomic context (GRCh38, chr19:45,368,698, plus strand): 5'-GAATACACAAGTTTTTGCGGGAGCTCAGAGCCAGTCCCAGAAACGGCAGCTTCTCGCCCT[C>T]CTGCTTCTCATAGAAGTTGAGCAACTTTCGAAGCTCTTCAATCACCTACTCCAAAGTTGG-3'
Protein context (NP_000391.1, residues 88-108): RKLLNFYEKQ[Glu98Lys]GEKLPFLGLA

ClinVar aggregate classification (germline): Uncertain significance. Review status: criteria provided, multiple submitters, no conflicts (2 of 4 stars). 2 submissions from 2 submitters: Uncertain significance (2). Last evaluated 2024-12-06.

Conditions:
Inborn genetic diseases. Identifiers: MedGen C0950123, MeSH D030342.

Allele frequency attached by ClinVar (database versions not stated): TOPMed below 0.00001; ExAC 0.00001; gnomAD 0.00001; gnomAD exomes 0.00001.

Submissions (2):

Ambry Genetics
Classification: Uncertain significance for Inborn genetic diseases. Last evaluated: 2024-12-06. Review status: criteria provided, single submitter. Criteria: Ambry Variant Classification Scheme 2023. Collection method: clinical testing. Allele origin: germline.

Labcorp Genetics (formerly Invitae), Labcorp
Classification: Uncertain significance. Last evaluated: 2022-05-01. Review status: criteria provided, single submitter. Criteria: Invitae Variant Classification Sherloc (09022015). Collection method: clinical testing. Allele origin: germline.
Comment: This sequence change replaces glutamic acid, which is acidic and polar, with lysine, which is basic and polar, at codon 98 of the ERCC2 protein (p.Glu98Lys). This variant is present in population databases (rs753975439, gnomAD 0.0009%). This variant has not been reported in the literature in individuals affected with ERCC2-related conditions. Algorithms developed to predict the effect of missense changes on protein structure and function (SIFT, PolyPhen-2, Align-GVGD) all suggest that this variant is likely to be tolerated. In summary, the available evidence is currently insufficient to determine the role of this variant in disease. Therefore, it has been classified as a Variant of Uncertain Significance.